The following is an entry in ClinVar:

NM_003128.3(SPTBN1):c.4494+1G>A

Gene: SPTBN1 (spectrin beta, non-erythrocytic 1; plus strand). Cytogenetic location: 2p16.2.
Variant type: single nucleotide variant.
Coding change: c.4494+1G>A on transcript NM_003128.3 (MANE Select); the canonical splice donor site of the intron after coding-DNA position 4494, G replaced by A.
Molecular consequence: splice donor variant.
Genome position (GRCh38, 1-based): chr2:54,645,454, G>A. VCF-style: chr2-54645454-G-A. GRCh37 (hg19) VCF-style: chr2-54872591-G-A.
Other names: c.4494+1G>A (NM_003128.2); c.4455+1G>A (NM_178313.3).
Identifiers: ClinVar variation 1803495 (VCV001803495.3), dbSNP rs2549555672, ClinGen allele CA346901607.
Genomic context (GRCh38, chr2:54,645,454, plus strand): 5'-CATAACCTGCTGGCCTCCAAAGAGATCCATCAGTTCAACAGGGATGTGGAGGACGAGATC[G>A]TGAGTCGACCCCTACTGCACACATGGCTTTTCCACGAGCCCCCTTGCCTGTGCTAAAGCC-3'

ClinVar aggregate classification (germline): Likely pathogenic. Review status: criteria provided, multiple submitters, no conflicts (2 of 4 stars). 2 submissions from 2 submitters: Likely pathogenic (2). Last evaluated 2026-08-18.

Conditions:
SPTBN1-related disorder. Also called: SPTBN1-related condition.

Submissions (2):

PreventionGenetics, part of Exact Sciences
Classification: Likely pathogenic for SPTBN1-related condition. Last evaluated: 2026-08-18. Review status: criteria provided, single submitter. Criteria: ACMG Guidelines, 2015. Collection method: clinical testing. Allele origin: germline.
Comment: The SPTBN1 c.4494+1G>A variant is predicted to disrupt the GT donor site and interfere with normal splicing. To our knowledge, this variant has not been reported in the literature or in a large population database (gnomAD), indicating this variant is rare. Variants that disrupt the consensus splice donor site in SPTBN1 are expected to be pathogenic. This variant is interpreted as likely pathogenic.

GeneDx
Classification: Likely pathogenic. Last evaluated: 2024-02-20. Review status: criteria provided, single submitter. Criteria: GeneDx Variant Classification Process June 2021. Collection method: clinical testing. Allele origin: germline.
Comment: Canonical splice site variant expected to result in aberrant splicing, although in the absence of functional evidence the actual effect of this sequence change is unknown; Not observed at significant frequency in large population cohorts (gnomAD); Has not been previously published as pathogenic or benign to our knowledge